The following is an entry in ClinVar:

NM_025099.6(CTC1):c.2831del (p.Pro944fs)

Gene: CTC1 (CST telomere replication complex component 1; minus strand). Cytogenetic location: 17p13.1.
Variant type: Deletion.
Coding change: c.2831del on transcript NM_025099.6 (MANE Select); coding-DNA position 2831, one base deleted (C; older notation c.2831delC).
Protein change: p.Pro944fs; shifts the reading frame from proline 944.
Molecular consequence: frameshift variant. On other transcripts: non-coding transcript variant (1).
Genome position (GRCh38, 1-based): chr17:8,230,396, G deleted on the plus strand (C on the coding strand, the reverse complement: CTC1 is on the minus strand); the first of 6 consecutive G bases (chr17:8,230,396-8,230,401); deleting any one gives the same sequence. VCF-style (leftmost placement, unchanged base first): chr17-8230395-AG-A. GRCh37 (hg19) VCF-style: chr17-8133713-AG-A.
Other names: c.2831del (NM_025099.5); short protein forms P944fs.
Identifiers: ClinVar variation 31000 (VCV000031000.31), dbSNP rs199473677, ClinGen allele CA129612.

ClinVar aggregate classification (germline): Pathogenic. Review status: criteria provided, multiple submitters, no conflicts (2 of 4 stars). 12 submissions from 12 submitters: Pathogenic (10). 2 of the submissions do not count toward it. Last evaluated 2026-01-05.

Conditions:
CTC1-related disorder. Also called: CTC1-related condition.
Coats plus syndrome. Also called: Cerebroretinal microangiopathy with calcifications and cysts. Identifiers: Orphanet 313838, MedGen C2677299, MONDO:0012815.
Dyskeratosis congenita. Identifiers: Orphanet 1775, MedGen C0265965, MONDO:0015780.
Cerebroretinal microangiopathy with calcifications and cysts 1 (CRMCC1). Identifiers: Orphanet 313838, MedGen C4552029, MONDO:0024564, OMIM 612199.

Submissions (12):

Labcorp Genetics (formerly Invitae), Labcorp
Classification: Pathogenic for Dyskeratosis congenita. Last evaluated: 2026-01-05. Review status: criteria provided, single submitter. Criteria: Invitae Variant Classification Sherloc (09022015). Collection method: clinical testing. Allele origin: germline.
Comment: This sequence change creates a premature translational stop signal (p.Pro944Leufs*7) in the CTC1 gene. It is expected to result in an absent or disrupted protein product. Loss-of-function variants in CTC1 are known to be pathogenic (PMID: 22267198, 22387016). This variant is present in population databases (rs199473677, gnomAD 0.3%), and has an allele count higher than expected for a pathogenic variant. This premature translational stop signal has been observed in individual(s) with cerebroretinal microangiopathy with calcifications and cysts (PMID: 22387016). ClinVar contains an entry for this variant (Variation ID: 31000). Algorithms developed to predict the effect of sequence changes on RNA splicing suggest that this variant may disrupt the consensus splice site. For these reasons, this variant has been classified as Pathogenic.

GeneDx
Classification: Pathogenic. Last evaluated: 2025-09-09. Review status: criteria provided, single submitter. Criteria: GeneDx Variant Classification Process June 2021. Collection method: clinical testing. Allele origin: germline. Affected: yes.
Comment: Frameshift variant predicted to result in protein truncation or nonsense mediated decay in a gene for which loss of function is a known mechanism of disease; Published functional studies demonstrate a damaging effect: protein truncation and anomalous telomere replication (PMID: 23869908); This variant is associated with the following publications: (PMID: 31028847, 31589614, 34308104, RibeiroAAdF2025[preprint], 23869908, 22387016)

Laboratory of Genetics, Children's Clinical University Hospital Latvia
Classification: Pathogenic. Last evaluated: 2025-02-16. Review status: criteria provided, single submitter. Criteria: ACMG Guidelines, 2015. Collection method: clinical testing. Allele origin: germline. Affected: yes.

Blueprint Genetics
Classification: Pathogenic for CTC1-related disorders. Last evaluated: 2024-10-25. Review status: criteria provided, single submitter. Criteria: ACMG Guidelines, 2015. Collection method: clinical testing. Allele origin: germline. Affected: yes. Observed: 5 variant alleles.

Fulgent Genetics
Classification: Pathogenic for Cerebroretinal microangiopathy with calcifications and cysts 1. Last evaluated: 2024-06-19. Review status: criteria provided, single submitter. Criteria: ACMG Guidelines, 2015. Collection method: clinical testing. Allele origin: germline.

Women's Health and Genetics/Laboratory Corporation of America, LabCorp
Classification: Pathogenic for Cerebroretinal microangiopathy with calcifications and cysts 1. Last evaluated: 2023-07-12. Review status: criteria provided, single submitter. Criteria: LabCorp Variant Classification Summary - May 2015. Collection method: clinical testing. Allele origin: germline.
Comment: Variant summary: CTC1 c.2831delC (p.Pro944LeufsX7) results in a premature termination codon, predicted to cause absence of the protein due to nonsense mediated decay, which is a commonly known mechanism for disease. The variant allele was found at a frequency of 0.00041 in 249486 control chromosomes in gnomAD. This frequency is not significantly higher than estimated for a pathogenic variant in CTC1 causing Cerebroretinal Microangiopathy With Calcifications And Cysts 1 (0.00041 vs 0.0011), allowing no conclusion about variant significance. c.2831delC has been reported in trans along with second disease-causing variants in multiple individuals affected with Cerebroretinal Microangiopathy With Calcifications And Cysts 1 (example: Polvi_2012). These data indicate that the variant is very likely to be associated with disease. The following publication have been ascertained in the context of this evaluation (PMID: 22387016). Five submitters have cited clinical-significance assessments for this variant to ClinVar after 2014 (all pathogenic). Based on the evidence outlined above, the variant was classified as pathogenic.

Genome-Nilou Lab
Classification: Pathogenic for Cerebroretinal microangiopathy with calcifications and cysts 1. Last evaluated: 2021-07-15. Review status: criteria provided, single submitter. Criteria: ACMG Guidelines, 2015. Collection method: clinical testing. Allele origin: germline. Affected: no.

Genetic Services Laboratory, University of Chicago
Classification: Pathogenic. Last evaluated: 2020-03-30. Review status: criteria provided, single submitter. Criteria: ACMG Guidelines, 2015. Collection method: clinical testing. Allele origin: germline. Affected: yes.
Comment: DNA sequence analysis of the CTC1 gene demonstrated a 1 base pair deletion in exon 17, c.2831del. This pathogenic sequence change results in an amino acid frameshift and creates a premature stop codon 7 amino acids downstream of the mutation, p.Pro944Leufs*7. This pathogenic sequence change is predicted to result in an abnormal transcript, which may be degraded, or may lead to the production of a truncated CTC1 protein with potentially abnormal function. This sequence change has been described in the gnomAD database with a frequency of 0.28% in the Finnish sub-population (dbSNP rs779650334). The p.Pro944Leufs*7 change has been reported in several unrelated Finnish individuals with cerebroretinal microangiopathy with calcifications and cysts (PMID: 22387016). Other frameshift deletions have been reported downstream of this sequence change in individuals with cerebroretinal microangiopathy with calcifications and cysts and paroxysmal nocturnal haemoglobinuria (PMIDs: 22387016, 30891747). Functional studies have demonstrated loss of protein function in the presence of a truncating variant in the homologous residue in mice (p.Pro939*) (PMID: 23869908).These collective evidences indicate that this is a pathogenic sequence change.

Laboratory for Molecular Medicine, Mass General Brigham Personalized Medicine
Classification: Pathogenic for Coats plus syndrome. Last evaluated: 2018-05-14. Review status: criteria provided, single submitter. Criteria: LMM Criteria. Collection method: clinical testing. Allele origin: germline. Inheritance: Autosomal recessive inheritance. Observed: 1 variant allele.
Comment: The p.Pro944fs variant in CTC1 has been reported in the compound heterozygous st ate in at least 5 individuals with cerebroretinal microangiopathy with calcifica tions and cysts (CRMCC, also known as Coats plus syndrome; Polvi 2012). It has a lso been identified in 0.3% (73/25790) of Finnish chromosomes by the Genome Aggr egation Database (gnomAD; dbSNP rs199473677). This variant is predicted to cause a frameshift, which alters the protein?s amin o acid sequence beginning at position 944 and leads to a premature termination c odon 7 amino acids downstream. This alteration is then predicted to lead to a tr uncated or absent protein. In vitro functional studies support that this variant impacts protein function (Gu 2013). Multiple loss of function variants in the C TC1 gene have been reported in individuals with CRMCC; however, to date, there a re no individuals with 2 null variants, suggesting that biallelic loss-of-functi on mutations might be incompatible with life (Anderson 2012; Polvi 2012). In sum mary, this variant is pathogenic. ACMG/AMP Criteria applied: PVS1; PP4; PM3_Supp orting.

Juno Genomics, Hangzhou Juno Genomics, Inc
Classification: Pathogenic for Cerebroretinal microangiopathy with calcifications and cysts 1. Review status: criteria provided, single submitter. Criteria: ACMG Guidelines, 2015. Collection method: clinical testing. Allele origin: germline.
Comment: Absent from controls (or at extremely low frequency if recessive) in Genome Aggregation Database.;Null variant in a gene where loss of function (LOF) is a known mechanism of disease.;For recessive disorders, detected in trans with a pathogenic variant.;Patient's phenotype or family history is highly specific for a disease with a single genetic etiology.

PreventionGenetics, part of Exact Sciences
Classification: Pathogenic for CTC1-related condition. Last evaluated: 2024-07-01. Review status: no assertion criteria provided. Collection method: clinical testing. Allele origin: germline. Not counted in ClinVar's aggregate classification.
Comment: The CTC1 c.2831delC variant is predicted to result in a frameshift and premature protein termination (p.Pro944Leufs*7). This variant has been reported as pathogenic for autosomal recessive cerebroretinal microangiopathy with calcifications and cysts (Polvi et al. 2012. PubMed ID: 22387016). This variant is reported in 0.28% of alleles in individuals of European (Finnish) descent in gnomAD. Frameshift variants in CTC1 are expected to be pathogenic. This variant is interpreted as pathogenic.

OMIM
Classification: Pathogenic for CEREBRORETINAL MICROANGIOPATHY WITH CALCIFICATIONS AND CYSTS 1. Last evaluated: 2012-03-09. Review status: no assertion criteria provided. Collection method: literature only. Allele origin: germline. Not counted in ClinVar's aggregate classification.

Literature cited by the submitters: PubMed 22267198 (cited by Labcorp Genetics (formerly Invitae), Labcorp and Laboratory for Molecular Medicine, Mass General Brigham Personalized Medicine); PubMed 22387016 (cited by 4 submitters); PubMed 25182133 (cited by Laboratory for Molecular Medicine, Mass General Brigham Personalized Medicine); PubMed 23869908 (cited by Laboratory for Molecular Medicine, Mass General Brigham Personalized Medicine).